The following is an entry in ClinVar:

NM_004360.5(CDH1):c.2243C>T (p.Thr748Ile)

Gene: CDH1 (cadherin 1; plus strand). Cytogenetic location: 16q22.1.
Variant type: single nucleotide variant.
Coding change: c.2243C>T on transcript NM_004360.5 (MANE Select); coding-DNA position 2243, C replaced by T.
Protein change: p.Thr748Ile; replaces threonine 748 with isoleucine.
Molecular consequence: missense variant.
Genome position (GRCh38, 1-based): chr16:68,828,252, C>T. VCF-style: chr16-68828252-C-T. GRCh37 (hg19) VCF-style: chr16-68862155-C-T.
Other names: c.2060C>T, p.Thr687Ile (NM_001317184.2); c.695C>T, p.Thr232Ile (NM_001317185.2); c.278C>T, p.Thr93Ile (NM_001317186.2); c.2243C>T (NM_004360.3); short protein forms T687I, T93I, T748I, T232I.
Identifiers: ClinVar variation 1365034 (VCV001365034.9), dbSNP rs1555517660, ClinGen allele CA396469802.
Genomic context (GRCh38, chr16:68,828,252, plus strand): 5'-TGCTGTTTCTTCGGAGGAGAGCGGTGGTCAAAGAGCCCTTACTGCCCCCAGAGGATGACA[C>T]CCGGGACAACGTTTATTACTATGATGAAGAAGGAGGCGGAGAAGAGGACCAGGTGGGTTT-3'
Protein context (NP_004351.1, residues 738-758): KEPLLPPEDD[Thr748Ile]RDNVYYYDEE

ClinVar aggregate classification (germline): Uncertain significance. Review status: criteria provided, multiple submitters, no conflicts (2 of 4 stars). 2 submissions from 2 submitters: Uncertain significance (2). Last evaluated 2024-07-05.

Conditions:
Hereditary cancer-predisposing syndrome. Also called: Hereditary neoplastic syndrome; Hereditary Cancer Syndrome; Neoplastic Syndromes, Hereditary; Tumor predisposition. Identifiers: Orphanet 140162, MedGen C0027672, MeSH D009386, MONDO:0015356.
Hereditary diffuse gastric adenocarcinoma (HDGC). Also called: DIFFUSE GASTRIC AND LOBULAR BREAST CANCER SYNDROME. Identifiers: Orphanet 26106, MedGen C1708349, MONDO:0007648, OMIM 137215.

Submissions (2):

Ambry Genetics
Classification: Uncertain significance for Hereditary cancer-predisposing syndrome. Last evaluated: 2024-07-05. Review status: criteria provided, single submitter. Criteria: Ambry Variant Classification Scheme 2023. Collection method: clinical testing. Allele origin: germline.
Comment: The p.T748I variant (also known as c.2243C>T), located in coding exon 14 of the CDH1 gene, results from a C to T substitution at nucleotide position 2243. The threonine at codon 748 is replaced by isoleucine, an amino acid with similar properties. This amino acid position is conserved. In addition, this alteration is predicted to be tolerated by in silico analysis. Based on the available evidence, the clinical significance of this variant remains unclear.

Labcorp Genetics (formerly Invitae), Labcorp
Classification: Uncertain significance for Hereditary diffuse gastric adenocarcinoma. Last evaluated: 2021-03-13. Review status: criteria provided, single submitter. Criteria: Invitae Variant Classification Sherloc (09022015). Collection method: clinical testing. Allele origin: germline.
Comment: This sequence change replaces threonine with isoleucine at codon 748 of the CDH1 protein (p.Thr748Ile). The threonine residue is highly conserved and there is a moderate physicochemical difference between threonine and isoleucine. This variant is not present in population databases (ExAC no frequency). This variant has not been reported in the literature in individuals with CDH1-related conditions. Algorithms developed to predict the effect of missense changes on protein structure and function are either unavailable or do not agree on the potential impact of this missense change (SIFT: "Tolerated"; PolyPhen-2: "Probably Damaging"; Align-GVGD: "Class C0"). In summary, the available evidence is currently insufficient to determine the role of this variant in disease. Therefore, it has been classified as a Variant of Uncertain Significance.